The following is an entry in ClinVar:

ClinVar aggregate classification (germline): Uncertain significance. Review status: criteria provided, multiple submitters, no conflicts (2 of 4 stars). 3 submissions from 3 submitters: Uncertain significance (3). Last evaluated 2025-03-22.

Conditions:
RASopathy. Also called: rasopathies; Noonan spectrum disorder. Identifiers: Orphanet 536391, MedGen C5555857, MONDO:0021060.
Cardiovascular phenotype. Identifiers: MedGen CN230736.

Allele frequency attached by ClinVar (database versions not stated): gnomAD exomes below 0.00001.
gnomAD v4.1: 2 of 1,612,346 alleles (0.00012%); highest among the groups gnomAD compares: Non-Finnish European, 0.00017%; no homozygotes.

Submissions (3):

Ambry Genetics
Classification: Uncertain significance for Cardiovascular phenotype. Last evaluated: 2025-03-22. Review status: criteria provided, single submitter. Criteria: Ambry Variant Classification Scheme 2023. Collection method: clinical testing. Allele origin: germline.
Comment: The p.I463V variant (also known as c.1387A>G), located in coding exon 12 of the PTPN11 gene, results from an A to G substitution at nucleotide position 1387. The isoleucine at codon 463 is replaced by valine, an amino acid with highly similar properties. This amino acid position is highly conserved in available vertebrate species. In addition, the in silico prediction for this alteration is inconclusive. Based on the available evidence, the clinical significance of this variant remains unclear.

GeneDx
Classification: Uncertain significance. Last evaluated: 2024-02-22. Review status: criteria provided, single submitter. Criteria: GeneDx Variant Classification Process June 2021. Collection method: clinical testing. Allele origin: germline. Affected: yes.
Comment: Not observed at significant frequency in large population cohorts (gnomAD); Missense variants in this gene are a common cause of disease and they are underrepresented in the general population; In silico analysis supports that this missense variant does not alter protein structure/function; Has not been previously published as pathogenic or benign to our knowledge; This variant is associated with the following publications: (PMID: 29493581)

Labcorp Genetics (formerly Invitae), Labcorp
Classification: Uncertain significance for RASopathy. Last evaluated: 2022-10-19. Review status: criteria provided, single submitter. Criteria: Invitae Variant Classification Sherloc (09022015). Collection method: clinical testing. Allele origin: germline.
Comment: This variant is not present in population databases (gnomAD no frequency). This sequence change replaces isoleucine, which is neutral and non-polar, with valine, which is neutral and non-polar, at codon 463 of the PTPN11 protein (p.Ile463Val). This variant has not been reported in the literature in individuals affected with PTPN11-related conditions. In summary, the available evidence is currently insufficient to determine the role of this variant in disease. Therefore, it has been classified as a Variant of Uncertain Significance. Advanced modeling of protein sequence and biophysical properties (such as structural, functional, and spatial information, amino acid conservation, physicochemical variation, residue mobility, and thermodynamic stability) performed at Invitae indicates that this missense variant is expected to disrupt PTPN11 protein function.

NM_002834.5(PTPN11):c.1387A>G (p.Ile463Val)

Gene: PTPN11 (protein tyrosine phosphatase non-receptor type 11; plus strand). Cytogenetic location: 12q24.13.
Variant type: single nucleotide variant.
Coding change: c.1387A>G on transcript NM_002834.5 (MANE Select); coding-DNA position 1387, A replaced by G.
Protein change: p.Ile463Val; replaces isoleucine 463 with valine.
Molecular consequence: missense variant.
Genome position (GRCh38, 1-based): chr12:112,488,450, A>G. VCF-style: chr12-112488450-A-G. GRCh37 (hg19) VCF-style: chr12-112926254-A-G.
Other names: c.1399A>G, p.Ile467Val (NM_001330437.2); c.1384A>G, p.Ile462Val (NM_001374625.1); short protein forms I467V, I462V, I463V.
Identifiers: ClinVar variation 3010796 (VCV003010796.5), dbSNP rs2135914932, ClinGen allele CA386778130.